The following is an entry in ClinVar:

NM_001711.6(BGN):c.947G>A (p.Gly316Asp)

Gene: BGN (biglycan; plus strand). Cytogenetic location: Xq28.
Variant type: single nucleotide variant.
Coding change: c.947G>A on transcript NM_001711.6 (MANE Select); coding-DNA position 947, G replaced by A.
Protein change: p.Gly316Asp; replaces glycine 316 with aspartic acid.
Molecular consequence: missense variant.
Genome position (GRCh38, 1-based): chrX:153,508,285, G>A. VCF-style: chrX-153508285-G-A. GRCh37 (hg19) VCF-style: chrX-152773743-G-A.
Other names: short protein forms G316D.
Identifiers: ClinVar variation 3649639 (VCV003649639.2).

ClinVar aggregate classification (germline): Uncertain significance (1 of 4 stars; one submission).

Submission:

Labcorp Genetics (formerly Invitae), Labcorp
Classification: Uncertain significance. Last evaluated: 2024-04-11. Review status: criteria provided, single submitter. Criteria: Invitae Variant Classification Sherloc (09022015). Collection method: clinical testing. Allele origin: germline.
Comment: This sequence change replaces glycine, which is neutral and non-polar, with aspartic acid, which is acidic and polar, at codon 316 of the BGN protein (p.Gly316Asp). This variant is not present in population databases (gnomAD no frequency). This variant has not been reported in the literature in individuals affected with BGN-related conditions. Advanced modeling of protein sequence and biophysical properties (such as structural, functional, and spatial information, amino acid conservation, physicochemical variation, residue mobility, and thermodynamic stability) performed at Invitae indicates that this missense variant is not expected to disrupt BGN protein function with a negative predictive value of 80%. In summary, the available evidence is currently insufficient to determine the role of this variant in disease. Therefore, it has been classified as a Variant of Uncertain Significance.